The following is an entry in ClinVar:

ClinVar aggregate classification (germline): Likely benign. Review status: criteria provided, multiple submitters, no conflicts (2 of 4 stars). 4 submissions from 4 submitters: Likely benign (4). Last evaluated 2025-10-13.

Conditions:
Hereditary cancer-predisposing syndrome. Also called: Tumor predisposition; Neoplastic Syndromes, Hereditary; Hereditary neoplastic syndrome; Hereditary Cancer Syndrome. Identifiers: Orphanet 140162, MedGen C0027672, MeSH D009386, MONDO:0015356.

Allele frequency attached by ClinVar (database versions not stated): gnomAD exomes below 0.00001 and 0.00002; TOPMed below 0.00001; gnomAD 0.00001.
gnomAD v4.1: 27 of 1,613,730 alleles (0.0017%); highest among the groups gnomAD compares: Non-Finnish European, 0.0021%; no homozygotes.

Submissions (4):

Labcorp Genetics (formerly Invitae), Labcorp
Classification: Likely benign. Last evaluated: 2025-10-13. Review status: criteria provided, single submitter. Criteria: Invitae Variant Classification Sherloc (09022015). Collection method: clinical testing. Allele origin: germline.

Blueprint Genetics
Classification: Likely benign. Last evaluated: 2021-03-10. Review status: criteria provided, single submitter. Criteria: ACMG Guidelines, 2015. Collection method: clinical testing. Allele origin: germline.

GeneDx
Classification: Likely benign. Last evaluated: 2016-04-01. Review status: criteria provided, single submitter. Criteria: GeneDx Variant Classification (06012015). Collection method: clinical testing. Allele origin: germline. Affected: yes.
Comment: This variant is considered likely benign or benign based on one or more of the following criteria: it is a conservative change, it occurs at a poorly conserved position in the protein, it is predicted to be benign by multiple in silico algorithms, and/or has population frequency not consistent with disease.

Ambry Genetics
Classification: Likely benign for Hereditary cancer-predisposing syndrome. Last evaluated: 2015-12-11. Review status: criteria provided, single submitter. Criteria: Ambry Variant Classification Scheme 2023. Collection method: clinical testing. Allele origin: germline.

NM_006231.4(POLE):c.6201T>C (p.Thr2067=)

Gene: POLE (DNA polymerase epsilon, catalytic subunit; minus strand). Cytogenetic location: 12q24.33.
Variant type: single nucleotide variant.
Coding change: c.6201T>C on transcript NM_006231.4 (MANE Select); coding-DNA position 6201, T replaced by C.
Protein change: p.Thr2067=; no amino-acid change (threonine 2067 retained).
Molecular consequence: synonymous variant.
Genome position (GRCh38, 1-based): chr12:132,632,444, A>G on the plus strand (T>C on the coding strand, the complement: POLE is on the minus strand). VCF-style: chr12-132632444-A-G. GRCh37 (hg19) VCF-style: chr12-133209030-A-G.
Identifiers: ClinVar variation 385267 (VCV000385267.17), dbSNP rs983980599, ClinGen allele CA16606403.
Genomic context (GRCh38, chr12:132,632,444, plus strand): 5'-AAACATCTCTGAGAGCTCAGTGGAGTTCCGAGAGCCTGTGACTTTCTTCTGAATCTTCTG[A>G]GTGATGGTGAAGAAGCTCTGAGTGAGCTCATTTGCGACATAATCCTGAGAGAAGGTGATC-3'
Protein context (NP_006222.2, residues 2057-2077): NELTQSFFTI[Thr2067=]QKIQKKVTGS